The following is an entry in ClinVar:

ClinVar aggregate classification (germline): Uncertain significance. Review status: criteria provided, multiple submitters, no conflicts (2 of 4 stars). 2 submissions from 2 submitters: Uncertain significance (2). Last evaluated 2025-10-21.

Conditions:
Gorlin syndrome. Also called: Nevoid Basal Cell Carcinoma Syndrome; Basal cell nevus syndrome. Identifiers: Orphanet 377, MedGen C0004779, MONDO:0007187.
Hereditary cancer-predisposing syndrome. Also called: Neoplastic Syndromes, Hereditary; Tumor predisposition; Hereditary Cancer Syndrome; Hereditary neoplastic syndrome. Identifiers: Orphanet 140162, MedGen C0027672, MeSH D009386, MONDO:0015356.

Allele frequency attached by ClinVar (database versions not stated): gnomAD 0.00001; TOPMed 0.00001.

Submissions (2):

Ambry Genetics
Classification: Uncertain significance for Hereditary cancer-predisposing syndrome. Last evaluated: 2025-10-21. Review status: criteria provided, single submitter. Criteria: Ambry Variant Classification Scheme 2023. Collection method: clinical testing. Allele origin: germline.
Comment: The p.G17D variant (also known as c.50G>A), located in coding exon 1 of the PTCH1 gene, results from a G to A substitution at nucleotide position 50. The glycine at codon 17 is replaced by aspartic acid, an amino acid with similar properties. This amino acid position is conserved. In addition, this alteration is predicted to be tolerated by in silico analysis. Since supporting evidence is limited at this time, the clinical significance of this alteration remains unclear.

Labcorp Genetics (formerly Invitae), Labcorp
Classification: Uncertain significance for Gorlin syndrome. Last evaluated: 2025-10-11. Review status: criteria provided, single submitter. Criteria: Invitae Variant Classification Sherloc (09022015). Collection method: clinical testing. Allele origin: germline.
Comment: This sequence change replaces glycine, which is neutral and non-polar, with aspartic acid, which is acidic and polar, at codon 17 of the PTCH1 protein (p.Gly17Asp). This variant is not present in population databases (gnomAD no frequency). This variant has not been reported in the literature in individuals affected with PTCH1-related conditions. ClinVar contains an entry for this variant (Variation ID: 1745342). Invitae Evidence Modeling of protein sequence and biophysical properties (such as structural, functional, and spatial information, amino acid conservation, physicochemical variation, residue mobility, and thermodynamic stability) indicates that this missense variant is not expected to disrupt PTCH1 protein function with a negative predictive value of 95%. In summary, the available evidence is currently insufficient to determine the role of this variant in disease. Therefore, it has been classified as a Variant of Uncertain Significance.

NM_000264.5(PTCH1):c.50G>A (p.Gly17Asp)

Genes: PTCH1 (patched 1; minus strand), LOC130002133 (ATAC-STARR-seq lymphoblastoid silent region 20071; plus strand). Cytogenetic location: 9q22.32.
Variant type: single nucleotide variant.
Coding change: c.50G>A on transcript NM_000264.5 (MANE Select); coding-DNA position 50, G replaced by A.
Protein change: p.Gly17Asp; replaces glycine 17 with aspartic acid.
Molecular consequence: missense variant. On other transcripts: non-coding transcript variant (1), intron variant (3).
Genome position (GRCh38, 1-based): chr9:95,508,312, C>T on the plus strand (G>A on the coding strand, the complement: PTCH1 is on the minus strand). VCF-style: chr9-95508312-C-T. GRCh37 (hg19) VCF-style: chr9-98270594-C-T.
Other names: c.50G>A, p.Gly17Asp (NM_001354918.2); c.199-1713G>A (NM_001083603.3); c.4-1713G>A (NM_001083602.3, NM_001354919.2); short protein forms G17D.
Identifiers: ClinVar variation 1745342 (VCV001745342.4), dbSNP rs1265021279, ClinGen allele CA374121519.